The following is an entry in ClinVar:

NM_032447.5(FBN3):c.1335C>T (p.Gly445=)

Gene: FBN3 (fibrillin 3; minus strand). Cytogenetic location: 19p13.2.
Variant type: single nucleotide variant.
Coding change: c.1335C>T on transcript NM_032447.5 (MANE Select); coding-DNA position 1335, C replaced by T.
Protein change: p.Gly445=; no amino-acid change (glycine 445 retained).
Molecular consequence: synonymous variant.
Genome position (GRCh38, 1-based): chr19:8,136,398, G>A on the plus strand (C>T on the coding strand, the complement: FBN3 is on the minus strand). VCF-style: chr19-8136398-G-A. GRCh37 (hg19) VCF-style: chr19-8201282-G-A.
Other names: c.1335C>T, p.Gly445= (NM_001321431.2).
Identifiers: ClinVar variation 2998260 (VCV002998260.3), dbSNP rs541524715, ClinGen allele CA9153387.

ClinVar aggregate classification (germline): Uncertain significance (1 of 4 stars; one submission).

Allele frequency attached by ClinVar (database versions not stated): gnomAD 0.00001; 1000 Genomes Project 0.00020; ExAC 0.00001; 1000 Genomes Project 30x 0.00016.
gnomAD v4.1: 11 of 1,613,864 alleles (0.00068%); highest among the groups gnomAD compares: Admixed American, 0.0033%; no homozygotes.

Submission:

Labcorp Genetics (formerly Invitae), Labcorp
Classification: Uncertain significance. Last evaluated: 2025-12-15. Review status: criteria provided, single submitter. Criteria: Invitae Variant Classification Sherloc (09022015). Collection method: clinical testing. Allele origin: germline.
Comment: This sequence change affects codon 445 of the FBN3 mRNA. It is a 'silent' change, meaning that it does not change the encoded amino acid sequence of the FBN3 protein. This variant is present in population databases (rs541524715, gnomAD 0.006%). This variant has not been reported in the literature in individuals affected with FBN3-related conditions. ClinVar contains an entry for this variant (Variation ID: 2998260). Algorithms developed to predict the effect of sequence changes on RNA splicing suggest that this variant may disrupt the consensus splice site. In summary, the available evidence is currently insufficient to determine the role of this variant in disease. Therefore, it has been classified as a Variant of Uncertain Significance.